The following is an entry in ClinVar:

ClinVar aggregate classification (germline): Uncertain significance (1 of 4 stars; one submission).

Allele frequency attached by ClinVar (database versions not stated): TOPMed below 0.00001.

Submission:

Labcorp Genetics (formerly Invitae), Labcorp
Classification: Uncertain significance. Last evaluated: 2023-08-08. Review status: criteria provided, single submitter. Criteria: Invitae Variant Classification Sherloc (09022015). Collection method: clinical testing. Allele origin: germline.
Comment: In summary, the available evidence is currently insufficient to determine the role of this variant in disease. Therefore, it has been classified as a Variant of Uncertain Significance. Advanced modeling of protein sequence and biophysical properties (such as structural, functional, and spatial information, amino acid conservation, physicochemical variation, residue mobility, and thermodynamic stability) performed at Invitae indicates that this missense variant is not expected to disrupt BACH2 protein function. This variant has not been reported in the literature in individuals affected with BACH2-related conditions. This variant is not present in population databases (gnomAD no frequency). This sequence change replaces serine, which is neutral and polar, with phenylalanine, which is neutral and non-polar, at codon 435 of the BACH2 protein (p.Ser435Phe).

NM_021813.4(BACH2):c.1304C>T (p.Ser435Phe)

Gene: BACH2 (BACH transcriptional regulator 2; minus strand). Cytogenetic location: 6q15.
Variant type: single nucleotide variant.
Coding change: c.1304C>T on transcript NM_021813.4 (MANE Select); coding-DNA position 1304, C replaced by T.
Protein change: p.Ser435Phe; replaces serine 435 with phenylalanine.
Molecular consequence: missense variant.
Genome position (GRCh38, 1-based): chr6:89,950,802, G>A on the plus strand (C>T on the coding strand, the complement: BACH2 is on the minus strand). VCF-style: chr6-89950802-G-A. GRCh37 (hg19) VCF-style: chr6-90660521-G-A.
Other names: c.1304C>T, p.Ser435Phe (NM_001170794.2); short protein forms S435F.
Identifiers: ClinVar variation 2865118 (VCV002865118.3), dbSNP rs1774043558, ClinGen allele CA365071119.